The following is an entry in ClinVar:

NM_017780.4(CHD7):c.8378C>G (p.Ala2793Gly)

Gene: CHD7 (chromodomain helicase DNA binding protein 7; plus strand). Cytogenetic location: 8q12.2.
Variant type: single nucleotide variant.
Coding change: c.8378C>G on transcript NM_017780.4 (MANE Select); coding-DNA position 8378, C replaced by G.
Protein change: p.Ala2793Gly; replaces alanine 2793 with glycine.
Molecular consequence: missense variant.
Genome position (GRCh38, 1-based): chr8:60,865,317, C>G. VCF-style: chr8-60865317-C-G. GRCh37 (hg19) VCF-style: chr8-61777876-C-G.
Other names: c.2231C>G, p.Ala744Gly (NM_001316690.1); short protein forms A2793G, A744G.
Identifiers: ClinVar variation 1116082 (VCV001116082.16), dbSNP rs774242976, ClinGen allele CA177329387.

ClinVar aggregate classification (germline): Conflicting classifications of pathogenicity. Review status: criteria provided, conflicting classifications (1 of 4 stars). 6 submissions from 6 submitters: Uncertain significance (1); Likely benign (5). Last evaluated 2026-07-06.

Conditions:
Inborn genetic diseases. Identifiers: MedGen C0950123, MeSH D030342.
CHARGE syndrome (CHARGE). Also called: Hittner Hirsch Kreh syndrome; CHARGE ASSOCIATION--COLOBOMA, HEART ANOMALY, CHOANAL ATRESIA, RETARDATION, GENITAL AND EAR ANOMALIES; Coloboma, heart anomaly, choanal atresia, retardation, genital and ear anomalies; CHARGE association; Hall-Hittner syndrome. Identifiers: Orphanet 138, MedGen C0265354, MONDO:0008965.
CHD7-related disorder. Also called: CHD7-related condition.

Allele frequency attached by ClinVar (database versions not stated): gnomAD exomes 0.00002; TOPMed 0.00002; gnomAD 0.00004.
gnomAD v4.1: 23 of 1,611,716 alleles (0.0014%); highest among the groups gnomAD compares: Non-Finnish European, 0.002%; no homozygotes.

Submissions (6):

PreventionGenetics, part of Exact Sciences
Classification: Uncertain significance for CHD7-related condition. Last evaluated: 2026-07-06. Review status: criteria provided, single submitter. Criteria: ACMG Guidelines, 2015. Collection method: clinical testing. Allele origin: germline.
Comment: The CHD7 c.8378C>G variant is predicted to result in the amino acid substitution p.Ala2793Gly. This variant was reported as paternally-inherited, variant of uncertain significance, in an individual with kidney and urinary tract disease (CAKUT) and was noted not to be fitting the patient's phenotype (Table S5, Bekheirnia et al. 2021. PubMed ID: 35368817). This variant is reported in 0.0047% of alleles in individuals of European (Non-Finnish) descent in gnomAD. Although we suspect that this variant may be benign, at this time, the clinical significance of this variant is uncertain due to the absence of conclusive functional and genetic evidence.

Labcorp Genetics (formerly Invitae), Labcorp
Classification: Likely benign for CHARGE syndrome. Last evaluated: 2025-08-02. Review status: criteria provided, single submitter. Criteria: Invitae Variant Classification Sherloc (09022015). Collection method: clinical testing. Allele origin: germline.

Women's Health and Genetics/Laboratory Corporation of America, LabCorp
Classification: Likely benign. Last evaluated: 2023-12-14. Review status: criteria provided, single submitter. Criteria: LabCorp Variant Classification Summary - May 2015. Collection method: clinical testing. Allele origin: germline.
Comment: Variant summary: CHD7 c.8378C>G (p.Ala2793Gly) results in a non-conservative amino acid change in the encoded protein sequence. Four of five in-silico tools predict a damaging effect of the variant on protein function. The variant allele was found at a frequency of 1.4e-05 in 1611716 control chromosomes including 23 carriers for an Autosomal disorder with an early onset, suggesting a benign role. To our knowledge, no occurrence of c.8378C>G in individuals affected with Hypogonadotropic Hypogonadism 5 With Or Without Anosmia and no experimental evidence demonstrating its impact on protein function have been reported. Three submitters have cited clinical-significance assessments for this variant to ClinVar after 2014. All submitters classified the variant as likely benign. Based on the evidence outlined above, the variant was classified as likely benign.

GeneDx
Classification: Likely benign. Last evaluated: 2021-04-30. Review status: criteria provided, single submitter. Criteria: GeneDx Variant Classification Process June 2021. Collection method: clinical testing. Allele origin: germline. Affected: yes.

Ambry Genetics
Classification: Likely benign for Inborn genetic diseases. Last evaluated: 2018-09-17. Review status: criteria provided, single submitter. Criteria: Ambry Variant Classification Scheme 2023. Collection method: clinical testing. Allele origin: germline.

Breakthrough Genomics
Classification: Likely benign. Review status: criteria provided, single submitter. Criteria: ACMG Guidelines, 2015. Collection method: not provided. Allele origin: germline. Inheritance: Autosomal dominant inheritance. Affected: yes.